The following is an entry in ClinVar:

NM_001127208.3(TET2):c.1000T>A (p.Ser334Thr)

Genes: TET2 (tet methylcytosine dioxygenase 2; plus strand), TET2-AS1 (TET2 antisense RNA 1; minus strand). Cytogenetic location: 4q24.
Variant type: single nucleotide variant.
Coding change: c.1000T>A on transcript NM_001127208.3 (MANE Select); coding-DNA position 1000, T replaced by A.
Protein change: p.Ser334Thr; replaces serine 334 with threonine.
Molecular consequence: missense variant.
Genome position (GRCh38, 1-based): chr4:105,234,942, T>A. VCF-style: chr4-105234942-T-A. GRCh37 (hg19) VCF-style: chr4-106156099-T-A.
Other names: c.1000T>A, p.Ser334Thr (NM_017628.4); short protein forms S334T.
Identifiers: ClinVar variation 5030760 (VCV005030760.1).
Genomic context (GRCh38, chr4:105,234,942, plus strand): 5'-TGTTCCTTTCAGAAACCAGAACAACTACAACAACAAAAATCAGTTTTTGAGATATGCCCA[T>A]CTCCTGCAGAAAATAACATCCAGGGAACCACAAAGCTAGCGTCTGGTGAAGAATTCTGTT-3'
Protein context (NP_001120680.1, residues 324-344): QQKSVFEICP[Ser334Thr]PAENNIQGTT

ClinVar aggregate classification (germline): Uncertain significance (1 of 4 stars; one submission).

gnomAD v4.1: 1 of 1,613,992 alleles (0.000062%); highest among the groups gnomAD compares: Non-Finnish European, 0.000085%; no homozygotes.

Submission:

Ambry Genetics
Classification: Uncertain significance. Last evaluated: 2026-08-22. Review status: criteria provided, single submitter. Criteria: Ambry Variant Classification Scheme 2023. Collection method: clinical testing. Allele origin: germline.
Comment: The p.S334T variant (also known as c.1000T>A), located in coding exon 1 of the TET2 gene, results from a T to A substitution at nucleotide position 1000. The serine at codon 334 is replaced by threonine, an amino acid with similar properties. This amino acid position is conserved. In addition, this alteration is predicted to be tolerated by in silico analysis. Based on the available evidence, the clinical significance of this variant remains unclear.